The following is an entry in ClinVar:

ClinVar aggregate classification (germline): Uncertain significance. Review status: criteria provided, multiple submitters, no conflicts (2 of 4 stars). 5 submissions from 5 submitters: Uncertain significance (5). Last evaluated 2025-12-30.

Conditions:
Spermatogenic failure 18. Identifiers: MedGen C4539783, MONDO:0054615, OMIM 617576.
Ciliary dyskinesia, primary, 37 (CILD37). Also called: CILIARY DYSKINESIA, PRIMARY, 37, WITH OR WITHOUT SITUS INVERSUS. Identifiers: MedGen C4539798, MONDO:0033204, OMIM 617577.

Allele frequency attached by ClinVar (database versions not stated): ExAC 0.00036; ESP Exome Variant Server 0.00047; gnomAD exomes 0.00030 and 0.00044; 1000 Genomes Project 0.00040; 1000 Genomes Project 30x 0.00047; TOPMed 0.00034.
gnomAD v4.1: 679 of 1,614,004 alleles (0.042%); highest among the groups gnomAD compares: Non-Finnish European, 0.054%; no homozygotes.

Submissions (5):

Greenwood Genetic Center Diagnostic Laboratories, Greenwood Genetic Center
Classification: Uncertain significance. Last evaluated: 2025-12-30. Review status: criteria provided, single submitter. Criteria: ACMG Guidelines, 2015. Collection method: clinical testing. Allele origin: germline. Affected: yes.
Comment: PM2

Ambry Genetics
Classification: Uncertain significance. Last evaluated: 2025-02-21. Review status: criteria provided, single submitter. Criteria: Ambry Variant Classification Scheme 2023. Collection method: clinical testing. Allele origin: germline.

Blueprint Genetics
Classification: Uncertain significance. Last evaluated: 2024-11-15. Review status: criteria provided, single submitter. Criteria: ACMG Guidelines, 2015. Collection method: clinical testing. Allele origin: germline.

Mayo Clinic Laboratories, Mayo Clinic
Classification: Uncertain significance. Last evaluated: 2023-01-31. Review status: criteria provided, single submitter. Criteria: ACMG Guidelines, 2015. Collection method: clinical testing. Allele origin: germline. Observed: 1 variant allele.

Labcorp Genetics (formerly Invitae), Labcorp
Classification: Uncertain significance for Ciliary dyskinesia, primary, 37; Spermatogenic failure 18. Last evaluated: 2022-10-18. Review status: criteria provided, single submitter. Criteria: Invitae Variant Classification Sherloc (09022015). Collection method: clinical testing. Allele origin: germline.
Comment: This sequence change replaces arginine, which is basic and polar, with glutamine, which is neutral and polar, at codon 2622 of the DNAH1 protein (p.Arg2622Gln). This variant is present in population databases (rs200587980, gnomAD 0.06%). This variant has not been reported in the literature in individuals affected with DNAH1-related conditions. ClinVar contains an entry for this variant (Variation ID: 945725). Advanced modeling of protein sequence and biophysical properties (such as structural, functional, and spatial information, amino acid conservation, physicochemical variation, residue mobility, and thermodynamic stability) performed at Invitae indicates that this missense variant is not expected to disrupt DNAH1 protein function. In summary, the available evidence is currently insufficient to determine the role of this variant in disease. Therefore, it has been classified as a Variant of Uncertain Significance.

NM_015512.5(DNAH1):c.7865G>A (p.Arg2622Gln)

Gene: DNAH1 (dynein axonemal heavy chain 1; plus strand). Cytogenetic location: 3p21.1.
Variant type: single nucleotide variant.
Coding change: c.7865G>A on transcript NM_015512.5 (MANE Select); coding-DNA position 7865, G replaced by A.
Protein change: p.Arg2622Gln; replaces arginine 2622 with glutamine.
Molecular consequence: missense variant.
Genome position (GRCh38, 1-based): chr3:52,382,379, G>A. VCF-style: chr3-52382379-G-A. GRCh37 (hg19) VCF-style: chr3-52416395-G-A.
Other names: p.Arg2622Gln; short protein forms R2622Q.
Identifiers: ClinVar variation 945725 (VCV000945725.9), dbSNP rs200587980, ClinGen allele CA2435010.